The following is an entry in ClinVar:

ClinVar aggregate classification (germline): Uncertain significance (1 of 4 stars; one submission).

Allele frequency attached by ClinVar (database versions not stated): gnomAD exomes below 0.00001; ESP Exome Variant Server 0.00008.
gnomAD v4.1: 2 of 1,614,098 alleles (0.00012%); highest among the groups gnomAD compares: Middle Eastern, 0.016%; no homozygotes.

Submission:

Labcorp Genetics (formerly Invitae), Labcorp
Classification: Uncertain significance. Last evaluated: 2021-12-02. Review status: criteria provided, single submitter. Criteria: Invitae Variant Classification Sherloc (09022015). Collection method: clinical testing. Allele origin: germline.
Comment: This sequence change replaces asparagine, which is neutral and polar, with serine, which is neutral and polar, at codon 1658 of the KMT2C protein (p.Asn1658Ser). This variant is not present in population databases (gnomAD no frequency). This variant has not been reported in the literature in individuals affected with KMT2C-related conditions. Algorithms developed to predict the effect of missense changes on protein structure and function are either unavailable or do not agree on the potential impact of this missense change (SIFT: "Deleterious"; PolyPhen-2: "Probably Damaging"; Align-GVGD: "Class C0"). Algorithms developed to predict the effect of sequence changes on RNA splicing suggest that this variant may create or strengthen a splice site. In summary, the available evidence is currently insufficient to determine the role of this variant in disease. Therefore, it has been classified as a Variant of Uncertain Significance.

NM_170606.3(KMT2C):c.4973A>G (p.Asn1658Ser)

Gene: KMT2C (lysine methyltransferase 2C; minus strand). Cytogenetic location: 7q36.1.
Variant type: single nucleotide variant.
Coding change: c.4973A>G on transcript NM_170606.3 (MANE Select); coding-DNA position 4973, A replaced by G.
Protein change: p.Asn1658Ser; replaces asparagine 1658 with serine.
Molecular consequence: missense variant.
Genome position (GRCh38, 1-based): chr7:152,187,297, T>C on the plus strand (A>G on the coding strand, the complement: KMT2C is on the minus strand). VCF-style: chr7-152187297-T-C. GRCh37 (hg19) VCF-style: chr7-151884382-T-C.
Other names: short protein forms N1658S.
Identifiers: ClinVar variation 1514053 (VCV001514053.6), dbSNP rs139258693, ClinGen allele CA169216373.